The following is an entry in ClinVar:

NM_003742.4(ABCB11):c.1615A>G (p.Asn539Asp)

Gene: ABCB11 (ATP binding cassette subfamily B member 11; minus strand). Cytogenetic location: 2q31.1.
Variant type: single nucleotide variant.
Coding change: c.1615A>G on transcript NM_003742.4 (MANE Select); coding-DNA position 1615, A replaced by G.
Protein change: p.Asn539Asp; replaces asparagine 539 with aspartic acid.
Molecular consequence: missense variant.
Genome position (GRCh38, 1-based): chr2:168,971,870, T>C on the plus strand (A>G on the coding strand, the complement: ABCB11 is on the minus strand). VCF-style: chr2-168971870-T-C. GRCh37 (hg19) VCF-style: chr2-169828380-T-C.
Other names: short protein forms N539D.
Identifiers: ClinVar variation 4064726 (VCV004064726.2).
Genomic context (GRCh38, chr2:168,971,870, plus strand): 5'-CTCTTAGTTTCTCCCAGGAATGTATGGCTAGGGGTACCTGTGGCAGGTCCATGATGAAGT[T>C]GTAGGCATTGGCCTCCTTGGCAGCTTGGACTATGTCTTCCATTGTTGCATCTTCTCTGCC-3'
Protein context (NP_003733.2, residues 529-549): VQAAKEANAY[Asn539Asp]FIMDLPQQFD

ClinVar aggregate classification (germline): Uncertain significance. Review status: criteria provided, single submitter (1 of 4 stars). 2 submissions from 2 submitters: Uncertain significance (1). 1 of the submissions does not count toward it. Last evaluated 2026-04-14.

Conditions:
Progressive familial intrahepatic cholestasis type 2. Identifiers: Orphanet 79304, MedGen C3489789, MONDO:0011156, OMIM 601847.
Familial intrahepatic cholestasis. Identifiers: Orphanet 284385, MedGen CN296401, MONDO:0017290.

Submissions (2):

Genomenon, Inc
Classification: Uncertain significance for Familial intrahepatic cholestasis. Last evaluated: 2026-04-14. Review status: criteria provided, single submitter. Criteria: Genomenon Sequence Variant Interpretation Standards - Updated. Collection method: curation. Allele origin: germline. Affected: no.
Comment: ABCB11 p.Asn539Asp (c.1615A>G) is a missense variant that changes the amino acid at residue 539 from Asparagine to Aspartic acid. This variant has been reported in the published literature (PMID:37208429). It is absent or not present at a significant frequency in gnomAD. In conclusion, we classify ABCB11 p.Asn539Asp (c.1615A>G) as a variant of uncertain significance.

Natera, Inc.
Classification: Uncertain significance for Progressive familial intrahepatic cholestasis type 2. Last evaluated: 2025-03-30. Review status: no assertion criteria provided. Collection method: clinical testing. Allele origin: germline. Not counted in ClinVar's aggregate classification.

Literature cited by the submitters: PubMed 37208429 (cited by Genomenon, Inc).